The following is an entry in ClinVar:

NM_000135.4(FANCA):c.284-1328_705del

Gene: FANCA (FA complementation group A; minus strand). Cytogenetic location: 16q24.3.
Variant type: Deletion.
Coding change: c.284-1328_705del on transcript NM_000135.4 (MANE Select); 1328 bases into the intron before coding-DNA position 284 through coding-DNA position 705, 7,116 bases deleted.
Molecular consequence: splice acceptor variant, splice donor variant.
Genome position (GRCh38, 1-based): chr16:89,805,284-89,812,399, 7,116 bases deleted. GRCh37 (hg19): chr16:89,871,693-89,878,808.
Other names: c.284-1328_705del (NM_001286167.3, NM_001018112.3); c.284-1328_609del (NM_001351830.2).
Identifiers: ClinVar variation 850409 (VCV000850409.1), ClinGen allele CA916081864.

ClinVar aggregate classification (germline): Pathogenic. Review status: criteria provided, single submitter (1 of 4 stars). 2 submissions from 2 submitters: Pathogenic (1). 1 of the submissions does not count toward it. Last evaluated 2019-03-29.

Conditions:
Fanconi anemia (FA). Also called: Fanconi's anemia. Identifiers: Orphanet 84, MedGen C0015625, MeSH D005199, MONDO:0019391.
Fanconi anemia complementation group A (FANCA). Also called: Fanconi anemia, group A; FANCA-Related Fanconi Anemia. Identifiers: Orphanet 84, MedGen C3469521, MONDO:0009215, OMIM 227650.

Submissions (2):

Labcorp Genetics (formerly Invitae), Labcorp
Classification: Pathogenic for Fanconi anemia. Last evaluated: 2019-03-29. Review status: criteria provided, single submitter. Criteria: Invitae Variant Classification Sherloc (09022015). Collection method: clinical testing. Allele origin: germline.
Comment: This variant is a deletion of the genomic region encompassing exons 4-6 and part of exon 7 (c.284-1329_704del) of the FANCA gene. It is expected to disrupt RNA splicing and likely results in an absent or disrupted protein product. Similar deletions described as deletion of exons 4-7 have been observed in individuals with clinical features of Fanconi anemia (PMID: 29098742, 26799702, Invitae). Loss-of-function variants in FANCA are known to be pathogenic (PMID: 19367192). For these reasons, this variant has been classified as Pathogenic.

Leiden Open Variation Database
Classification: Pathogenic for Fanconi anemia complementation group A. Last evaluated: 2020-02-28. Review status: no assertion criteria provided. Collection method: curation. Allele origin: germline. Affected: yes. Not counted in ClinVar's aggregate classification.
Comment: Curator: Arleen D. Auerbach. Submitter to LOVD: Arleen D. Auerbach.

Literature cited by the submitters: PubMed 29098742 (cited by Labcorp Genetics (formerly Invitae), Labcorp); PubMed 26799702 (cited by Labcorp Genetics (formerly Invitae), Labcorp); PubMed 25168418 (cited by Leiden Open Variation Database).